The following is an entry in ClinVar:

ClinVar aggregate classification (germline): Pathogenic (1 of 4 stars; one submission).

Submission:

Labcorp Genetics (formerly Invitae), Labcorp
Classification: Pathogenic. Last evaluated: 2025-04-19. Review status: criteria provided, single submitter. Criteria: Invitae Variant Classification Sherloc (09022015). Collection method: clinical testing. Allele origin: germline.
Comment: This sequence change creates a premature translational stop signal (p.Ala831Glyfs*31) in the LTBP4 gene. It is expected to result in an absent or disrupted protein product. Loss-of-function variants in LTBP4 are known to be pathogenic (PMID: 19836010, 22829427). This variant is not present in population databases (gnomAD no frequency). This variant has not been reported in the literature in individuals affected with LTBP4-related conditions. For these reasons, this variant has been classified as Pathogenic.

Literature cited by the submitters: PubMed 19836010; PubMed 22829427.

NM_001042545.2(LTBP4):c.2401dup (p.Ala801fs)

Gene: LTBP4 (latent transforming growth factor beta binding protein 4; plus strand). Cytogenetic location: 19q13.2.
Variant type: Duplication.
Coding change: c.2401dup on transcript NM_001042545.2 (MANE Select); coding-DNA position 2401, one base duplicated (G; older notation c.2401dupG).
Protein change: p.Ala801fs; shifts the reading frame from alanine 801.
Molecular consequence: frameshift variant.
Genome position (GRCh38, 1-based): chr19:40,613,166, G duplicated; the last of 3 consecutive G bases (chr19:40,613,164-40,613,166); duplicating any one gives the same sequence. VCF-style (leftmost placement, unchanged base first): chr19-40613163-C-CG. GRCh37 (hg19) VCF-style: chr19-41119069-C-CG.
Other names: c.2602dup, p.Ala868fs (NM_001042544.1); c.2491dup, p.Ala831fs (NM_003573.2); short protein forms A831fs, A801fs, A868fs.
Identifiers: ClinVar variation 4717923 (VCV004717923.1).